The following is an entry in ClinVar:

ClinVar aggregate classification (germline): Uncertain significance (1 of 4 stars; one submission).

Allele frequency attached by ClinVar (database versions not stated): gnomAD exomes below 0.00001.

Submission:

Labcorp Genetics (formerly Invitae), Labcorp
Classification: Uncertain significance. Last evaluated: 2025-08-18. Review status: criteria provided, single submitter. Criteria: Invitae Variant Classification Sherloc (09022015). Collection method: clinical testing. Allele origin: germline.
Comment: This sequence change replaces threonine, which is neutral and polar, with alanine, which is neutral and non-polar, at codon 952 of the NUP133 protein (p.Thr952Ala). This variant is not present in population databases (gnomAD no frequency). This variant has not been reported in the literature in individuals affected with NUP133-related conditions. ClinVar contains an entry for this variant (Variation ID: 2789503). An algorithm developed to predict the effect of missense changes on protein structure and function (PolyPhen-2) suggests that this variant is likely to be disruptive. In summary, the available evidence is currently insufficient to determine the role of this variant in disease. Therefore, it has been classified as a Variant of Uncertain Significance.

NM_018230.3(NUP133):c.2854A>G (p.Thr952Ala)

Gene: NUP133 (nucleoporin 133; minus strand). Cytogenetic location: 1q42.13.
Variant type: single nucleotide variant.
Coding change: c.2854A>G on transcript NM_018230.3 (MANE Select); coding-DNA position 2854, A replaced by G.
Protein change: p.Thr952Ala; replaces threonine 952 with alanine.
Molecular consequence: missense variant.
Genome position (GRCh38, 1-based): chr1:229,458,287, T>C on the plus strand (A>G on the coding strand, the complement: NUP133 is on the minus strand). VCF-style: chr1-229458287-T-C. GRCh37 (hg19) VCF-style: chr1-229594034-T-C.
Other names: short protein forms T952A.
Identifiers: ClinVar variation 2789503 (VCV002789503.3), dbSNP rs2527490675, ClinGen allele CA345148932.
Genomic context (GRCh38, chr1:229,458,287, plus strand): 5'-CAAGAAGGGTTTTCTTCTTTGCAAAGTAACGAGTTTCCATATTTGCCAAACCCAGAAGTG[T>C]TGCATGAGCCTACAATAAAATATGCAAACCATCGTAAGATACTGAGTACCAATTCAAGCT-3'
Protein context (NP_060700.2, residues 942-962): NSQELEKAHA[Thr952Ala]LLGLANMETR